The following is an entry in ClinVar:

NM_001042492.3(NF1):c.7111T>G (p.Cys2371Gly)

Gene: NF1 (neurofibromin 1; plus strand). Cytogenetic location: 17q11.2.
Variant type: single nucleotide variant.
Coding change: c.7111T>G on transcript NM_001042492.3 (MANE Select); coding-DNA position 7111, T replaced by G.
Protein change: p.Cys2371Gly; replaces cysteine 2371 with glycine.
Molecular consequence: missense variant.
Genome position (GRCh38, 1-based): chr17:31,343,057, T>G. VCF-style: chr17-31343057-T-G. GRCh37 (hg19) VCF-style: chr17-29670075-T-G.
Other names: c.7048T>G, p.Cys2350Gly (NM_000267.4); short protein forms C2350G, C2371G.
Identifiers: ClinVar variation 4800801 (VCV004800801.1).

ClinVar aggregate classification (germline): Uncertain significance (1 of 4 stars; one submission).

Conditions:
Neurofibromatosis, type 1 (NF1). Also called: VON RECKLINGHAUSEN DISEASE; Neurofibromatosis, type I; NEUROFIBROMATOSIS, TYPE I, SOMATIC; Peripheral type neurofibromatosis. Identifiers: Orphanet 636, MedGen C0027831, MONDO:0018975, OMIM 162200. Disease mechanism: loss of function.

Submission:

Labcorp Genetics (formerly Invitae), Labcorp
Classification: Uncertain significance for Neurofibromatosis, type 1. Last evaluated: 2025-07-06. Review status: criteria provided, single submitter. Criteria: Invitae Variant Classification Sherloc (09022015). Collection method: clinical testing. Allele origin: germline.
Comment: This sequence change replaces cysteine, which is neutral and slightly polar, with glycine, which is neutral and non-polar, at codon 2350 of the NF1 protein (p.Cys2350Gly). This variant is not present in population databases (gnomAD no frequency). This variant has not been reported in the literature in individuals affected with NF1-related conditions. Invitae Evidence Modeling of protein sequence and biophysical properties (such as structural, functional, and spatial information, amino acid conservation, physicochemical variation, residue mobility, and thermodynamic stability) indicates that this missense variant is not expected to disrupt NF1 protein function with a negative predictive value of 95%. In summary, the available evidence is currently insufficient to determine the role of this variant in disease. Therefore, it has been classified as a Variant of Uncertain Significance.